The following is an entry in ClinVar:

ClinVar aggregate classification (germline): Conflicting classifications of pathogenicity. Review status: criteria provided, conflicting classifications (1 of 4 stars). 3 submissions from 3 submitters: Uncertain significance (2); Likely benign (1). Last evaluated 2026-06-29.

Conditions:
MAGEL2-related disorder. Also called: MAGEL2-related condition.

Submissions (3):

PreventionGenetics, part of Exact Sciences
Classification: Uncertain significance for MAGEL2-related condition. Last evaluated: 2026-06-29. Review status: criteria provided, single submitter. Criteria: ACMG Guidelines, 2015. Collection method: clinical testing. Allele origin: germline.
Comment: The MAGEL2 c.1446_1466del21 variant is predicted to result in an in-frame deletion (p.Val485_Pro491del). To our knowledge, this variant has not been reported in the literature. This variant is reported in 0.056% of alleles in individuals of African descent in gnomAD. Although we suspect that this variant may be benign, at this time, the clinical significance of this variant is uncertain due to the absence of conclusive functional and genetic evidence.

CeGaT Center for Human Genetics Tuebingen
Classification: Likely benign. Last evaluated: 2026-01-01. Review status: criteria provided, single submitter. Criteria: CeGaT Center For Human Genetics Tuebingen Variant Classification Criteria Version 2. Collection method: clinical testing. Allele origin: germline. Affected: yes. Observed: 2 variant alleles.
Comment: MAGEL2: BP3, BS2

Labcorp Genetics (formerly Invitae), Labcorp
Classification: Uncertain significance. Last evaluated: 2025-12-24. Review status: criteria provided, single submitter. Criteria: Invitae Variant Classification Sherloc (09022015). Collection method: clinical testing. Allele origin: germline.
Comment: This variant, c.1446_1466del, results in the deletion of 7 amino acid(s) of the MAGEL2 protein (p.Val485_Pro491del), but otherwise preserves the integrity of the reading frame. This variant is present in population databases (no rsID available, gnomAD 0.06%), and has an allele count higher than expected for a pathogenic variant. This variant has not been reported in the literature in individuals affected with MAGEL2-related conditions. ClinVar contains an entry for this variant (Variation ID: 2051968). Experimental studies and prediction algorithms are not available or were not evaluated, and the functional significance of this variant is currently unknown. In summary, the available evidence is currently insufficient to determine the role of this variant in disease. Therefore, it has been classified as a Variant of Uncertain Significance.

NM_019066.5(MAGEL2):c.1446_1466del (p.464VIRQAPP[3])

Gene: MAGEL2 (MAGE family member L2; minus strand). Cytogenetic location: 15q11.2.
Variant type: Deletion.
Coding change: c.1446_1466del on transcript NM_019066.5 (MANE Select); coding-DNA positions 1446 to 1466, 21 bases deleted (TCCACCTGTGATCCGCCAGGC).
Protein change: p.464VIRQAPP[3].
Molecular consequence: inframe deletion.
Genome position (GRCh38, 1-based): chr15:23,646,277-23,646,297, GCCTGGCGGATCACAGGTGGA deleted on the plus strand (TCCACCTGTGATCCGCCAGGC on the coding strand, the reverse complement: MAGEL2 is on the minus strand); deleting any 21 consecutive bases within chr15:23,646,277-23,646,317 gives the same sequence; the c. name uses the placement nearest the transcript's 3' end. VCF-style (leftmost placement, unchanged base first): chr15-23646276-GGCCTGGCGGATCACAGGTGGA-G. GRCh37 (hg19) VCF-style: chr15-23891423-GGCCTGGCGGATCACAGGTGGA-G.
Other names: c.1446_1466del21 (NM_019066.4).
Identifiers: ClinVar variation 2051968 (VCV002051968.12), ClinGen allele CA617084252.
Genomic context (GRCh38, chr15:23,646,276, plus strand): 5'-GGTGGCCAGGACCTGTGGGGCAGGTCGGATGGGCGGCGGCGCCTGGCGGATCAGCGGCGG[GGCCTGGCGGATCACAGGTGGA>G]GCCTGGCGGATCACAGGTGGGGCCTGGCGGATCACAGGTGGGGCCTGGCGGATCACAGCG-3'